The following is an entry in ClinVar:

ClinVar aggregate classification (germline): Uncertain significance. Review status: criteria provided, single submitter (1 of 4 stars). 2 submissions from 2 submitters: Uncertain significance (1). 1 of the submissions does not count toward it. Last evaluated 2024-10-29.

Conditions:
PLXNA2-related disorder. Also called: PLXNA2-related condition.

Allele frequency attached by ClinVar (database versions not stated): ExAC 0.00004; 1000 Genomes Project 30x 0.00016; 1000 Genomes Project 0.00020; gnomAD 0.00001; gnomAD exomes 0.00001 and 0.00003.
gnomAD v4.1: 12 of 1,613,410 alleles (0.00074%); highest among the groups gnomAD compares: Admixed American, 0.015%; no homozygotes.

Submissions (2):

Labcorp Genetics (formerly Invitae), Labcorp
Classification: Uncertain significance. Last evaluated: 2024-10-29. Review status: criteria provided, single submitter. Criteria: Invitae Variant Classification Sherloc (09022015). Collection method: clinical testing. Allele origin: germline.
Comment: This sequence change replaces glutamine, which is neutral and polar, with leucine, which is neutral and non-polar, at codon 1873 of the PLXNA2 protein (p.Gln1873Leu). This variant is present in population databases (rs201356824, gnomAD 0.02%). This variant has not been reported in the literature in individuals affected with PLXNA2-related conditions. ClinVar contains an entry for this variant (Variation ID: 1475341). Invitae Evidence Modeling of protein sequence and biophysical properties (such as structural, functional, and spatial information, amino acid conservation, physicochemical variation, residue mobility, and thermodynamic stability) indicates that this missense variant is not expected to disrupt PLXNA2 protein function with a negative predictive value of 80%. In summary, the available evidence is currently insufficient to determine the role of this variant in disease. Therefore, it has been classified as a Variant of Uncertain Significance.

PreventionGenetics, part of Exact Sciences
Classification: Uncertain significance for PLXNA2-related condition. Last evaluated: 2024-05-16. Review status: no assertion criteria provided. Collection method: clinical testing. Allele origin: germline. Not counted in ClinVar's aggregate classification.
Comment: The PLXNA2 c.5618A>T variant is predicted to result in the amino acid substitution p.Gln1873Leu. To our knowledge, this variant has not been reported in the literature. This variant is reported in 0.023% of alleles in individuals of Latino descent in gnomAD. At this time, the clinical significance of this variant is uncertain due to the absence of conclusive functional and genetic evidence.

NM_025179.4(PLXNA2):c.5618A>T (p.Gln1873Leu)

Gene: PLXNA2 (plexin A2; minus strand). Cytogenetic location: 1q32.2.
Variant type: single nucleotide variant.
Coding change: c.5618A>T on transcript NM_025179.4 (MANE Select); coding-DNA position 5618, A replaced by T.
Protein change: p.Gln1873Leu; replaces glutamine 1873 with leucine.
Molecular consequence: missense variant.
Genome position (GRCh38, 1-based): chr1:208,027,310, T>A on the plus strand (A>T on the coding strand, the complement: PLXNA2 is on the minus strand). VCF-style: chr1-208027310-T-A. GRCh37 (hg19) VCF-style: chr1-208200655-T-A.
Other names: c.5618A>T (NM_025179.3); short protein forms Q1873L.
Identifiers: ClinVar variation 1475341 (VCV001475341.7), dbSNP rs201356824, ClinGen allele CA1372511.
Genomic context (GRCh38, chr1:208,027,310, plus strand): 5'-TCAATGGACATGGCATTAATGAGCTGCTCCACCTTATAAGCCAGCCGCTGCCGCCGTGCC[T>A]GCTCATCCTGCTCTAGGGCCCCGATGAGCTGAGGAGCAAAAACAAAGGCAGGAAGACTTC-3'
Protein context (NP_079455.3, residues 1863-1883): ELIGALEQDE[Gln1873Leu]ARRQRLAYKV